The following is an entry in ClinVar:

NM_005327.7(HADH):c.859del (p.His287fs)

Gene: HADH (hydroxyacyl-CoA dehydrogenase; plus strand). Cytogenetic location: 4q25.
Variant type: Deletion.
Coding change: c.859del on transcript NM_005327.7 (MANE Select); coding-DNA position 859, one base deleted (C; older notation c.859delC).
Protein change: p.His287fs; shifts the reading frame from histidine 287.
Molecular consequence: frameshift variant.
Genome position (GRCh38, 1-based): chr4:108,034,271, C deleted. VCF-style (leftmost placement, unchanged base first): chr4-108034270-AC-A. GRCh37 (hg19) VCF-style: chr4-108955426-AC-A.
Other names: c.910del, p.His304fs (NM_001184705.4); c.871del, p.His291fs (NM_001331027.2); short protein forms H304fs, H287fs, H291fs.
Identifiers: ClinVar variation 3674169 (VCV003674169.2).

ClinVar aggregate classification (germline): Pathogenic (1 of 4 stars; one submission).

Conditions:
Deficiency of 3-hydroxyacyl-CoA dehydrogenase. Also called: HADH DEFICIENCY; 3-hydroxyacyl-CoA dehydrogenase deficiency. Identifiers: Orphanet 309127, Orphanet 71212, MedGen C1291230, MONDO:0017715, OMIM 231530.

Submission:

Labcorp Genetics (formerly Invitae), Labcorp
Classification: Pathogenic for Deficiency of 3-hydroxyacyl-CoA dehydrogenase. Last evaluated: 2025-01-15. Review status: criteria provided, single submitter. Criteria: Invitae Variant Classification Sherloc (09022015). Collection method: clinical testing. Allele origin: germline.
Comment: This sequence change creates a premature translational stop signal (p.His287Ilefs*7) in the HADH gene. While this is not anticipated to result in nonsense mediated decay, it is expected to disrupt the last 28 amino acid(s) of the HADH protein. This variant is not present in population databases (gnomAD no frequency). This variant has not been reported in the literature in individuals affected with HADH-related conditions. Algorithms developed to predict the effect of sequence changes on RNA splicing suggest that this variant may disrupt the consensus splice site. This variant disrupts a region of the HADH protein in which other variant(s) (p.Gly303Ser) have been determined to be pathogenic (PMID: 22579592; internal data). This suggests that this is a clinically significant region of the protein, and that variants that disrupt it are likely to be disease-causing. For these reasons, this variant has been classified as Pathogenic.

Literature cited by the submitters: PubMed 22579592.